The following is an entry in ClinVar:

NM_005612.5(REST):c.380C>T (p.Ala127Val)

Gene: REST (RE1 silencing transcription factor; plus strand). Cytogenetic location: 4q12.
Variant type: single nucleotide variant.
Coding change: c.380C>T on transcript NM_005612.5 (MANE Select); coding-DNA position 380, C replaced by T.
Protein change: p.Ala127Val; replaces alanine 127 with valine.
Molecular consequence: missense variant.
Genome position (GRCh38, 1-based): chr4:56,911,018, C>T. VCF-style: chr4-56911018-C-T. GRCh37 (hg19) VCF-style: chr4-57777184-C-T.
Other names: c.380C>T, p.Ala127Val (NM_001193508.2, NM_001363453.3); short protein forms A127V.
Identifiers: ClinVar variation 2628435 (VCV002628435.2), dbSNP rs1352164694, ClinGen allele CA357003670.

ClinVar aggregate classification (germline): Uncertain significance (1 of 4 stars; one submission).

Conditions:
REST-related disorder. Also called: REST-related condition.

Allele frequency attached by ClinVar (database versions not stated): TOPMed below 0.00001; gnomAD 0.00001; gnomAD exomes 0.00001.

Submission:

PreventionGenetics, part of Exact Sciences
Classification: Uncertain significance for REST-related condition. Last evaluated: 2025-04-02. Review status: criteria provided, single submitter. Criteria: ACMG Guidelines, 2015. Collection method: clinical testing. Allele origin: germline.
Comment: The REST c.380C>T variant is predicted to result in the amino acid substitution p.Ala127Val. To our knowledge, this variant has not been reported in the literature. This variant is reported in 0.0029% of alleles in individuals of Latino descent in gnomAD. At this time, the clinical significance of this variant is uncertain due to the absence of conclusive functional and genetic evidence.